The following is an entry in ClinVar:

ClinVar aggregate classification (germline): Uncertain significance. Review status: criteria provided, single submitter (1 of 4 stars). 2 submissions from 2 submitters: Uncertain significance (1). 1 of the submissions does not count toward it. Last evaluated 2024-02-17.

Conditions:
Charcot-Marie-Tooth disease. Also called: Charcot-Marie-Tooth Neuropathy; Charcot-Marie-Tooth Hereditary Neuropathy. Identifiers: Orphanet 166, MedGen C0007959, MONDO:0015626.
Charcot-Marie-Tooth disease type 2. Also called: Charcot-Marie-Tooth type 2. Identifiers: Orphanet 64746, MedGen C0270914, MONDO:0018993.

Submissions (2):

Labcorp Genetics (formerly Invitae), Labcorp
Classification: Uncertain significance for Charcot-Marie-Tooth disease type 2. Last evaluated: 2024-02-17. Review status: criteria provided, single submitter. Criteria: Invitae Variant Classification Sherloc (09022015). Collection method: clinical testing. Allele origin: germline.
Comment: This sequence change replaces tyrosine, which is neutral and polar, with cysteine, which is neutral and slightly polar, at codon 258 of the AARS protein (p.Tyr258Cys). This variant is not present in population databases (gnomAD no frequency). This variant has not been reported in the literature in individuals affected with AARS-related conditions. ClinVar contains an entry for this variant (Variation ID: 694886). Advanced modeling of protein sequence and biophysical properties (such as structural, functional, and spatial information, amino acid conservation, physicochemical variation, residue mobility, and thermodynamic stability) performed at Invitae indicates that this missense variant is expected to disrupt AARS protein function with a positive predictive value of 80%. In summary, the available evidence is currently insufficient to determine the role of this variant in disease. Therefore, it has been classified as a Variant of Uncertain Significance.

Genesis Genome Database
Classification: Uncertain significance for Charcot-Marie-Tooth disease. Last evaluated: 2019-08-14. Review status: no assertion criteria provided. Collection method: research. Allele origin: germline. Affected: yes. Not counted in ClinVar's aggregate classification.

NM_001605.3(AARS1):c.773A>G (p.Tyr258Cys)

Gene: AARS1 (alanyl-tRNA synthetase 1; minus strand). Cytogenetic location: 16q22.1.
Variant type: single nucleotide variant.
Coding change: c.773A>G on transcript NM_001605.3 (MANE Select); coding-DNA position 773, A replaced by G.
Protein change: p.Tyr258Cys; replaces tyrosine 258 with cysteine.
Molecular consequence: missense variant.
Genome position (GRCh38, 1-based): chr16:70,270,239, T>C on the plus strand (A>G on the coding strand, the complement: AARS1 is on the minus strand). VCF-style: chr16-70270239-T-C. GRCh37 (hg19) VCF-style: chr16-70304142-T-C.
Other names: short protein forms Y258C.
Identifiers: ClinVar variation 694886 (VCV000694886.10), dbSNP rs1597442205, ClinGen allele CA396565292.